The following is an entry in ClinVar:

NM_001174089.2(SLC4A11):c.670_671insA (p.Trp224Ter)

Gene: SLC4A11 (solute carrier family 4 member 11; minus strand). Cytogenetic location: 20p13.
Variant type: Insertion.
Coding change: c.670_671insA on transcript NM_001174089.2 (MANE Select); coding-DNA positions 670 to 671, A inserted.
Protein change: p.Trp224Ter; replaces tryptophan 224 with a stop codon.
Molecular consequence: nonsense. On other transcripts: non-coding transcript variant (1).
Genome position: GRCh38 VCF-style: chr20-3233572-C-CT. GRCh37 (hg19) VCF-style: chr20-3214218-C-CT.
Other names: c.799_800insA, p.Trp267Ter (NM_001174090.2); c.670_671insA, p.Trp224Ter (NM_001363745.2); c.718_719insA, p.Trp240Ter (NM_032034.4); short protein forms W267*, W224*, W240*.
Identifiers: ClinVar variation 650848 (VCV000650848.8), dbSNP rs1600592887, ClinGen allele CA915953044.

ClinVar aggregate classification (germline): Pathogenic (1 of 4 stars; one submission).

Submission:

Labcorp Genetics (formerly Invitae), Labcorp
Classification: Pathogenic. Last evaluated: 2018-10-01. Review status: criteria provided, single submitter. Criteria: Invitae Variant Classification Sherloc (09022015). Collection method: clinical testing. Allele origin: germline.
Comment: This sequence change creates a premature translational stop signal (p.Trp240*) in the SLC4A11 gene. It is expected to result in an absent or disrupted protein product. This variant is not present in population databases (ExAC no frequency). This nonsense change has been observed in an individual with congenital hereditary endothelial dystrophy (PMID: 17397048). Loss-of-function variants in SLC4A11 are known to be pathogenic (PMID: 17220209, 17679935). For these reasons, this variant has been classified as Pathogenic.

Literature cited by the submitters: PubMed 17397048; PubMed 17220209; PubMed 17679935.